The following is an entry in ClinVar:

NM_182493.3(MYLK3):c.586G>A (p.Val196Met)

Gene: MYLK3 (myosin light chain kinase 3; minus strand). Cytogenetic location: 16q11.2.
Variant type: single nucleotide variant.
Coding change: c.586G>A on transcript NM_182493.3 (MANE Select); coding-DNA position 586, G replaced by A.
Protein change: p.Val196Met; replaces valine 196 with methionine.
Molecular consequence: missense variant. On other transcripts: intron variant (1).
Genome position (GRCh38, 1-based): chr16:46,738,126, C>T on the plus strand (G>A on the coding strand, the complement: MYLK3 is on the minus strand). VCF-style: chr16-46738126-C-T. GRCh37 (hg19) VCF-style: chr16-46772038-C-T.
Other names: c.-23+1931G>A (NM_001308301.1); short protein forms V196M.
Identifiers: ClinVar variation 1499830 (VCV001499830.6), dbSNP rs780736850, ClinGen allele CA8038191.

ClinVar aggregate classification (germline): Uncertain significance (1 of 4 stars; one submission).

Allele frequency attached by ClinVar (database versions not stated): TOPMed below 0.00001; gnomAD 0.00001; ExAC 0.00002; gnomAD exomes 0.00002 and 0.00003.
gnomAD v4.1: 25 of 1,545,696 alleles (0.0016%); highest among the groups gnomAD compares: Admixed American, 0.0095%; no homozygotes.

Submission:

Labcorp Genetics (formerly Invitae), Labcorp
Classification: Uncertain significance. Last evaluated: 2025-08-11. Review status: criteria provided, single submitter. Criteria: Invitae Variant Classification Sherloc (09022015). Collection method: clinical testing. Allele origin: germline.
Comment: This sequence change replaces valine, which is neutral and non-polar, with methionine, which is neutral and non-polar, at codon 196 of the MYLK3 protein (p.Val196Met). This variant is present in population databases (rs780736850, gnomAD 0.02%). This variant has not been reported in the literature in individuals affected with MYLK3-related conditions. ClinVar contains an entry for this variant (Variation ID: 1499830). An algorithm developed to predict the effect of missense changes on protein structure and function (PolyPhen-2) suggests that this variant is likely to be tolerated. In summary, the available evidence is currently insufficient to determine the role of this variant in disease. Therefore, it has been classified as a Variant of Uncertain Significance.